The following is an entry in ClinVar:

Conditions:
Long QT syndrome 5 (LQT5). Identifiers: Orphanet 101016, Orphanet 768, MedGen C1867904, MONDO:0013372, OMIM 613695.

Submission:

Roden Lab, Vanderbilt University Medical Center
No classification provided (evidence only). Condition: Long QT syndrome 5. Review status: no classification provided. Collection method: in vitro. Allele origin: not applicable. Functional consequence: Effect on ion channel function.
ClinVar note: "not provided" was previously submitted as the classification for the variant. However, the classification appeared to be based only on an observation of functional data so it was converted to no classification on 2025-07-30.

NM_000219.6(KCNE1):c.157T>C (p.Phe53Leu)

Gene: KCNE1 (potassium voltage-gated channel subfamily E regulatory subunit 1; minus strand). Cytogenetic location: 21q22.12.
Variant type: single nucleotide variant.
Coding change: c.157T>C on transcript NM_000219.6 (MANE Select); coding-DNA position 157, T replaced by C.
Protein change: p.Phe53Leu; replaces phenylalanine 53 with leucine.
Molecular consequence: missense variant.
Genome position (GRCh38, 1-based): chr21:34,449,478, A>G on the plus strand (T>C on the coding strand, the complement: KCNE1 is on the minus strand). VCF-style: chr21-34449478-A-G. GRCh37 (hg19) VCF-style: chr21-35821776-A-G.
Other names: c.157T>C, p.Phe53Leu (NM_001270405.3, NM_001127668.4, NM_001127669.4 and 4 more transcripts); short protein forms F53L.
Identifiers: ClinVar variation 3374197 (VCV003374197.2).